The following is an entry in ClinVar:

NM_004371.4(COPA):c.725T>C (p.Val242Ala)

Gene: COPA (coat protein complex I subunit alpha; minus strand). Cytogenetic location: 1q23.2.
Variant type: single nucleotide variant.
Coding change: c.725T>C on transcript NM_004371.4 (MANE Select); coding-DNA position 725, T replaced by C.
Protein change: p.Val242Ala; replaces valine 242 with alanine.
Molecular consequence: missense variant.
Genome position (GRCh38, 1-based): chr1:160,314,107, A>G on the plus strand (T>C on the coding strand, the complement: COPA is on the minus strand). VCF-style: chr1-160314107-A-G. GRCh37 (hg19) VCF-style: chr1-160283897-A-G.
Other names: c.725T>C, p.Val242Ala (NM_001098398.2); short protein forms V242A.
Identifiers: ClinVar variation 1526108 (VCV001526108.1), dbSNP rs2101847465, ClinGen allele CA343264502.
Genomic context (GRCh38, chr1:160,314,107, plus strand): 5'-TCTTGGCGAGGGTGGAAGACGGCACAAGATACATTGTTGTAATGGCCCCGGCAGGTATCA[A>G]CCTCCCATGCCTTTGATTCTGAAGGACAAAAAGAATTAGGTCATCACAATTCCCTACTAC-3'
Protein context (NP_004362.2, residues 232-252): WRMNESKAWE[Val242Ala]DTCRGHYNNV

ClinVar aggregate classification (germline): Likely pathogenic (1 of 4 stars; one submission).

Conditions:
Autoimmune interstitial lung disease-arthritis syndrome. Also called: Autoinflammation and autoimmunity, systemic, with immune dysregulation. Identifiers: Orphanet 444092, MedGen C5975714, MONDO:0014629.

Submission:

3billion
Classification: Likely pathogenic for Autoinflammation and autoimmunity with immune dysregulation 1. Last evaluated: 2022-03-22. Review status: criteria provided, single submitter. Criteria: ACMG Guidelines, 2015. Collection method: clinical testing. Allele origin: germline. Affected: yes. Observed: 1 heterozygote.
Comment: Same nucleotide change resulting in same amino acid change has been previously reported to be associated with COPA related disorder (PMID:31905480). In silico tool predictions suggest damaging effect of the variant on gene or gene product(REVEL: 0.762>=0.6). A missense variant is a common mechanism. It is not observed in the gnomAD v2.1.1 dataset. Therefore, this variant is classified as likely pathogenic according to the recommendation of ACMG/AMP guideline.

Literature cited by the submitters: PubMed 31905480.